The following is an entry in ClinVar:

ClinVar aggregate classification (germline): Uncertain significance. Review status: criteria provided, multiple submitters, no conflicts (2 of 4 stars). 3 submissions from 3 submitters: Uncertain significance (3). Last evaluated 2025-11-10.

Conditions:
Familial adenomatous polyposis 1 (FAP1). Also called: POLYPOSIS, ADENOMATOUS INTESTINAL; FAMILIAL ADENOMATOUS POLYPOSIS 1, ATTENUATED. Identifiers: MedGen C2713442, MONDO:0021056, OMIM 175100. Disease mechanism: loss of function.
Hereditary cancer-predisposing syndrome. Also called: Hereditary Cancer Syndrome; Neoplastic Syndromes, Hereditary; Tumor predisposition; Hereditary neoplastic syndrome. Identifiers: Orphanet 140162, MedGen C0027672, MeSH D009386, MONDO:0015356.

gnomAD v4.1: 1 of 1,613,840 alleles (0.000062%); highest among the groups gnomAD compares: South Asian, 0.0011%; no homozygotes.

Submissions (3):

Labcorp Genetics (formerly Invitae), Labcorp
Classification: Uncertain significance for Familial adenomatous polyposis 1. Last evaluated: 2025-11-10. Review status: criteria provided, single submitter. Criteria: Invitae Variant Classification Sherloc (09022015). Collection method: clinical testing. Allele origin: germline.
Comment: This sequence change replaces serine, which is neutral and polar, with cysteine, which is neutral and slightly polar, at codon 2350 of the APC protein (p.Ser2350Cys). This variant is not present in population databases (gnomAD no frequency). This variant has not been reported in the literature in individuals affected with APC-related conditions. ClinVar contains an entry for this variant (Variation ID: 489489). Invitae Evidence Modeling of protein sequence and biophysical properties (such as structural, functional, and spatial information, amino acid conservation, physicochemical variation, residue mobility, and thermodynamic stability) indicates that this missense variant is not expected to disrupt APC protein function with a negative predictive value of 95%. In summary, the available evidence is currently insufficient to determine the role of this variant in disease. Therefore, it has been classified as a Variant of Uncertain Significance.

Ambry Genetics
Classification: Uncertain significance for Hereditary cancer-predisposing syndrome. Last evaluated: 2024-11-03. Review status: criteria provided, single submitter. Criteria: Ambry Variant Classification Scheme 2023. Collection method: clinical testing. Allele origin: germline.
Comment: The p.S2350C variant (also known as c.7049C>G), located in coding exon 15 of the APC gene, results from a C to G substitution at nucleotide position 7049. The serine at codon 2350 is replaced by cysteine, an amino acid with dissimilar properties. This amino acid position is conserved. In addition, in silico predictors for this gene do not accurately predict pathogenicity. Based on the available evidence, the clinical significance of this variant remains unclear.

Color Diagnostics, LLC DBA Color Health
Classification: Uncertain significance for Hereditary cancer-predisposing syndrome. Last evaluated: 2019-03-25. Review status: criteria provided, single submitter. Criteria: ACMG Guidelines, 2015. Collection method: clinical testing. Allele origin: germline.

NM_000038.6(APC):c.7049C>G (p.Ser2350Cys)

Gene: APC (APC regulator of Wnt signaling pathway; plus strand). Cytogenetic location: 5q22.2.
Variant type: single nucleotide variant.
Coding change: c.7049C>G on transcript NM_000038.6 (MANE Select); coding-DNA position 7049, C replaced by G.
Protein change: p.Ser2350Cys; replaces serine 2350 with cysteine.
Molecular consequence: missense variant.
Genome position (GRCh38, 1-based): chr5:112,842,643, C>G. VCF-style: chr5-112842643-C-G. GRCh37 (hg19) VCF-style: chr5-112178340-C-G.
Other names: c.6872C>G, p.Ser2291Cys (NM_001354901.2); c.6746C>G, p.Ser2249Cys (NM_001354903.2); c.6671C>G, p.Ser2224Cys (NM_001354904.2); c.6200C>G, p.Ser2067Cys (NM_001354906.2); c.6569C>G, p.Ser2190Cys (NM_001354905.2); c.6776C>G, p.Ser2259Cys (NM_001354902.2); c.7049C>G, p.Ser2350Cys (NM_001127510.3, NM_001354895.2); c.6995C>G, p.Ser2332Cys (NM_001127511.3); and 5 more; short protein forms S2332C, S2350C, S2190C, S2259C, S2309C, S2325C, S2368C, S2067C.
Identifiers: ClinVar variation 489489 (VCV000489489.7), dbSNP rs75207119, ClinGen allele CA16036694.